The following is an entry in ClinVar:

ClinVar aggregate classification (germline): Conflicting classifications of pathogenicity. Review status: criteria provided, conflicting classifications (1 of 4 stars). 7 submissions from 6 submitters: Uncertain significance (6); Likely benign (1). Last evaluated 2025-11-16.

Conditions:
Charcot-Marie-Tooth disease type 4. Also called: Charcot-Marie-Tooth disease, type IV; Charcot-Marie-Tooth, Type 4. Identifiers: Orphanet 64749, MedGen C4082197, MONDO:0018995.
Charcot-Marie-Tooth disease type 4C (CMT4C). Also called: CHARCOT-MARIE-TOOTH DISEASE, DEMYELINATING, TYPE 4C; Charcot-Marie-Tooth Neuropathy Type 4C (CMT4C); SH3TC2-Related Hereditary Motor and Sensory Neuropathy; CHARCOT-MARIE-TOOTH DISEASE, DEMYELINATING, AUTOSOMAL RECESSIVE, TYPE 4C; CMT 4C. Identifiers: Orphanet 99949, MedGen C1866636, MONDO:0011113, OMIM 601596.
Susceptibility to mononeuropathy of the median nerve, mild. Also called: CARPAL TUNNEL SYNDROME, SUSCEPTIBILITY TO. Identifiers: MedGen C3150596, MONDO:0013237, OMIM 613353.
SH3TC2-related disorder. Also called: SH3TC2-related disorders; SH3TC2-related condition. Identifiers: MedGen CN239303.
Inborn genetic diseases. Identifiers: MedGen C0950123, MeSH D030342.

Allele frequency attached by ClinVar (database versions not stated): gnomAD 0.00001; TOPMed 0.00002; gnomAD exomes 0.00003 and 0.00006; ExAC 0.00008.

Submissions (7):

Labcorp Genetics (formerly Invitae), Labcorp
Classification: Likely benign for Charcot-Marie-Tooth disease type 4. Last evaluated: 2025-11-16. Review status: criteria provided, single submitter. Criteria: Invitae Variant Classification Sherloc (09022015). Collection method: clinical testing. Allele origin: germline.

PreventionGenetics, part of Exact Sciences
Classification: Uncertain significance for SH3TC2-related condition. Last evaluated: 2025-11-05. Review status: criteria provided, single submitter. Criteria: ACMG Guidelines, 2015. Collection method: clinical testing. Allele origin: germline.
Comment: The SH3TC2 c.2017G>A variant is predicted to result in the amino acid substitution p.Ala673Thr. This variant was reported along with a second SH3TC2 variant (p.Asn574Ser) in one individual with polyneuropathy, hearing loss, cerebellar ataxia, retinitis pigmentosa, and early-onset cataracts harboring a homozygous causative ABHD12 variant (Thimm et al. 2020. PubMed ID: 32077159). This variant is reported in 0.0099% of alleles in individuals of Ashkenazi Jewish descent in gnomAD. At this time, the clinical significance of this variant is uncertain due to the absence of conclusive functional and genetic evidence.

Ambry Genetics
Classification: Uncertain significance for Inborn genetic diseases. Last evaluated: 2025-06-24. Review status: criteria provided, single submitter. Criteria: Ambry Variant Classification Scheme 2023. Collection method: clinical testing. Allele origin: germline.

Mayo Clinic Laboratories, Mayo Clinic
Classification: Uncertain significance. Last evaluated: 2023-10-17. Review status: criteria provided, single submitter. Criteria: ACMG Guidelines, 2015. Collection method: clinical testing. Allele origin: germline. Observed: 1 variant allele.
Comment: BP4

GeneDx
Classification: Uncertain significance. Last evaluated: 2023-02-10. Review status: criteria provided, single submitter. Criteria: GeneDx Variant Classification Process June 2021. Collection method: clinical testing. Allele origin: germline. Affected: yes.
Comment: Not observed at significant frequency in large population cohorts (gnomAD); In silico analysis supports that this missense variant does not alter protein structure/function; Previously reported as a variant of uncertain significance in an individual with PHARC syndrome who also homozygous for a nonsense variant in another gene associated with this syndrome (Thimm et al., 2020); This variant is associated with the following publications: (PMID: 32077159)

Illumina Laboratory Services, Illumina
Classification: Uncertain significance for Charcot-Marie-Tooth disease type 4C. Last evaluated: 2018-01-13. Review status: criteria provided, single submitter. Criteria: ICSL Variant Classification Criteria 13 December 2019. Collection method: clinical testing. Allele origin: germline.

Illumina Laboratory Services, Illumina
Classification: Uncertain significance for Susceptibility to mononeuropathy of the median nerve, mild. Last evaluated: 2018-01-13. Review status: criteria provided, single submitter. Criteria: ICSL Variant Classification Criteria 13 December 2019. Collection method: clinical testing. Allele origin: germline.

Literature cited by the submitters: PubMed 32077159 (cited by Mayo Clinic Laboratories, Mayo Clinic).

NM_024577.4(SH3TC2):c.2017G>A (p.Ala673Thr)

Gene: SH3TC2 (SH3 domain and tetratricopeptide repeats 2; minus strand). Cytogenetic location: 5q32.
Variant type: single nucleotide variant.
Coding change: c.2017G>A on transcript NM_024577.4 (MANE Select); coding-DNA position 2017, G replaced by A.
Protein change: p.Ala673Thr; replaces alanine 673 with threonine.
Molecular consequence: missense variant.
Genome position (GRCh38, 1-based): chr5:149,027,715, C>T on the plus strand (G>A on the coding strand, the complement: SH3TC2 is on the minus strand). VCF-style: chr5-149027715-C-T. GRCh37 (hg19) VCF-style: chr5-148407278-C-T.
Other names: p.Ala673Thr; short protein forms A673T.
Identifiers: ClinVar variation 543425 (VCV000543425.20), dbSNP rs201985394, ClinGen allele CA3499076.